The following is an entry in ClinVar:

ClinVar aggregate classification (germline): Uncertain significance (1 of 4 stars; one submission).

Conditions:
Oligodontia-cancer predisposition syndrome. Also called: TOOTH AGENESIS-COLORECTAL CANCER SYNDROME. Identifiers: Orphanet 300576, MedGen C1837750, MONDO:0012075, OMIM 608615. Disease mechanism: loss of function.

Submission:

Labcorp Genetics (formerly Invitae), Labcorp
Classification: Uncertain significance for Oligodontia-cancer predisposition syndrome. Last evaluated: 2025-07-21. Review status: criteria provided, single submitter. Criteria: Invitae Variant Classification Sherloc (09022015). Collection method: clinical testing. Allele origin: germline.
Comment: This sequence change replaces histidine, which is basic and polar, with glutamine, which is neutral and polar, at codon 284 of the AXIN2 protein (p.His284Gln). This variant is not present in population databases (gnomAD no frequency). This variant has not been reported in the literature in individuals affected with AXIN2-related conditions. Invitae Evidence Modeling of protein sequence and biophysical properties (such as structural, functional, and spatial information, amino acid conservation, physicochemical variation, residue mobility, and thermodynamic stability) indicates that this missense variant is not expected to disrupt AXIN2 protein function with a negative predictive value of 80%. In summary, the available evidence is currently insufficient to determine the role of this variant in disease. Therefore, it has been classified as a Variant of Uncertain Significance.

NM_004655.4(AXIN2):c.852C>A (p.His284Gln)

Gene: AXIN2 (axin 2; minus strand). Cytogenetic location: 17q24.1.
Variant type: single nucleotide variant.
Coding change: c.852C>A on transcript NM_004655.4 (MANE Select); coding-DNA position 852, C replaced by A.
Protein change: p.His284Gln; replaces histidine 284 with glutamine.
Molecular consequence: missense variant.
Genome position (GRCh38, 1-based): chr17:65,549,624, G>T on the plus strand (C>A on the coding strand, the complement: AXIN2 is on the minus strand). VCF-style: chr17-65549624-G-T. GRCh37 (hg19) VCF-style: chr17-63545742-G-T.
Other names: c.852C>A, p.His284Gln (NM_001363813.1); short protein forms H284Q.
Identifiers: ClinVar variation 4745489 (VCV004745489.1).